The following is an entry in ClinVar:

NM_007194.4(CHEK2):c.1249C>G (p.Leu417Val)

Gene: CHEK2 (checkpoint kinase 2; minus strand). Cytogenetic location: 22q12.1.
Variant type: single nucleotide variant.
Coding change: c.1249C>G on transcript NM_007194.4 (MANE Select); coding-DNA position 1249, C replaced by G.
Protein change: p.Leu417Val; replaces leucine 417 with valine.
Molecular consequence: missense variant.
Genome position (GRCh38, 1-based): chr22:28,695,720, G>C on the plus strand (C>G on the coding strand, the complement: CHEK2 is on the minus strand). VCF-style: chr22-28695720-G-C. GRCh37 (hg19) VCF-style: chr22-29091708-G-C.
Other names: c.1378C>G, p.Leu460Val (NM_001005735.3); c.586C>G, p.Leu196Val (NM_001257387.3); c.1048C>G, p.Leu350Val (NM_001349956.3); c.1162C>G, p.Leu388Val (NM_145862.3); short protein forms L417V, L196V, L350V, L388V, L460V.
Identifiers: ClinVar variation 1370917 (VCV001370917.10), dbSNP rs2052548069, ClinGen allele CA411096544.

ClinVar aggregate classification (germline): Uncertain significance. Review status: criteria provided, multiple submitters, no conflicts (2 of 4 stars). 2 submissions from 2 submitters: Uncertain significance (2). Last evaluated 2026-01-05.

Conditions:
Hereditary cancer-predisposing syndrome. Also called: Neoplastic Syndromes, Hereditary; Tumor predisposition; Hereditary neoplastic syndrome; Hereditary Cancer Syndrome. Identifiers: Orphanet 140162, MedGen C0027672, MeSH D009386, MONDO:0015356.
Familial cancer of breast. Also called: hereditary breast carcinoma; Hereditary breast cancer; BREAST CANCER, FAMILIAL. Identifiers: Orphanet 227535, MedGen C0346153, MONDO:0016419, OMIM 114480. Disease mechanism: loss of function.

Submissions (2):

Labcorp Genetics (formerly Invitae), Labcorp
Classification: Uncertain significance for Familial cancer of breast. Last evaluated: 2026-01-05. Review status: criteria provided, single submitter. Criteria: Invitae Variant Classification Sherloc (09022015). Collection method: clinical testing. Allele origin: germline.
Comment: This sequence change replaces leucine, which is neutral and non-polar, with valine, which is neutral and non-polar, at codon 417 of the CHEK2 protein (p.Leu417Val). This variant is not present in population databases (gnomAD no frequency). This variant has not been reported in the literature in individuals affected with CHEK2-related conditions. ClinVar contains an entry for this variant (Variation ID: 1370917). An algorithm developed to predict the effect of missense changes on protein structure and function (PolyPhen-2) suggests that this variant is likely to be disruptive. In summary, the available evidence is currently insufficient to determine the role of this variant in disease. Therefore, it has been classified as a Variant of Uncertain Significance.

Ambry Genetics
Classification: Uncertain significance for Hereditary cancer-predisposing syndrome. Last evaluated: 2023-08-11. Review status: criteria provided, single submitter. Criteria: Ambry Variant Classification Scheme 2023. Collection method: clinical testing. Allele origin: germline.
Comment: The p.L417V variant (also known as c.1249C>G), located in coding exon 10 of the CHEK2 gene, results from a C to G substitution at nucleotide position 1249. The leucine at codon 417 is replaced by valine, an amino acid with highly similar properties. This amino acid position is conserved. In addition, this alteration is predicted to be deleterious by in silico analysis. Since supporting evidence is limited at this time, the clinical significance of this alteration remains unclear.